The following is an entry in ClinVar:

ClinVar aggregate classification (germline): Uncertain significance (1 of 4 stars; one submission).

Submission:

GeneDx
Classification: Uncertain significance. Last evaluated: 2019-11-27. Review status: criteria provided, single submitter. Criteria: GeneDx Variant Classification Process June 2021. Collection method: clinical testing. Allele origin: germline. Affected: yes.
Comment: Not observed in large population cohorts (Lek et al., 2016); In silico analysis, which includes protein predictors and evolutionary conservation, supports a deleterious effect; Has not been previously published as pathogenic or benign to our knowledge

NM_001366110.1(PAX4):c.250G>C (p.Val84Leu)

Gene: PAX4 (paired box 4; minus strand). Cytogenetic location: 7q32.1.
Variant type: single nucleotide variant.
Coding change: c.250G>C on transcript NM_001366110.1 (MANE Select); coding-DNA position 250, G replaced by C.
Protein change: p.Val84Leu; replaces valine 84 with leucine.
Molecular consequence: missense variant.
Genome position (GRCh38, 1-based): chr7:127,614,990, C>G on the plus strand (G>C on the coding strand, the complement: PAX4 is on the minus strand). VCF-style: chr7-127614990-C-G. GRCh37 (hg19) VCF-style: chr7-127255044-C-G.
Other names: NM_006193.2:c.226G>C; c.250G>C, p.Val84Leu (NM_001366111.1); short protein forms V84L.
Identifiers: ClinVar variation 1315981 (VCV001315981.2), dbSNP rs2116142104, ClinGen allele CA369176249.
Genomic context (GRCh38, chr7:127,614,990, plus strand): 5'-GGATTTCCCAGGCAAAGAGGGCTGGACACTCACCCTTCAGCTGGGCAATTCGAGCCACCA[C>G]AGGGGGTGTAGCCAGCCGTGGCTTGCTTCCCCCAATGCCCTTTGGCTCCAAGACACCTGT-3'
Protein context (NP_001353039.1, residues 74-94): GSKPRLATPP[Val84Leu]VARIAQLKGE